The following is an entry in ClinVar:

ClinVar aggregate classification (germline): Uncertain significance (1 of 4 stars; one submission).

Conditions:
Dyskeratosis congenita, autosomal dominant 6 (DKCA6). Identifiers: Orphanet 3322, MedGen C4225284, MONDO:0014690, OMIM 616553.

Allele frequency attached by ClinVar (database versions not stated): gnomAD exomes below 0.00001.

Submission:

Labcorp Genetics (formerly Invitae), Labcorp
Classification: Uncertain significance for Dyskeratosis congenita, autosomal dominant 6. Last evaluated: 2023-02-11. Review status: criteria provided, single submitter. Criteria: Invitae Variant Classification Sherloc (09022015). Collection method: clinical testing. Allele origin: germline.
Comment: In summary, the available evidence is currently insufficient to determine the role of this variant in disease. Therefore, it has been classified as a Variant of Uncertain Significance. Algorithms developed to predict the effect of missense changes on protein structure and function are either unavailable or do not agree on the potential impact of this missense change (SIFT: "Deleterious"; PolyPhen-2: "Not Available"; Align-GVGD: "Class C0"). This variant has not been reported in the literature in individuals affected with ACD-related conditions. This variant is present in population databases (rs572519785, gnomAD 0.004%). This sequence change replaces alanine, which is neutral and non-polar, with proline, which is neutral and non-polar, at codon 22 of the ACD protein (p.Ala22Pro).

NC_000016.10:g.67660415C>G

Genes: ACD (ACD shelterin complex subunit and telomerase recruitment factor; minus strand), LOC130059224 (ATAC-STARR-seq lymphoblastoid silent region 7617; plus strand). Cytogenetic location: 16q22.1.
Variant type: single nucleotide variant.
Genome position: GRCh38 VCF-style: chr16-67660415-C-G. GRCh37 (hg19) VCF-style: chr16-67694318-C-G.
Identifiers: ClinVar variation 2887066 (VCV002887066.3), dbSNP rs572519785, ClinGen allele CA8114942.